The following is an entry in ClinVar:

NM_002860.4(ALDH18A1):c.2111-282A>C

Gene: ALDH18A1 (aldehyde dehydrogenase 18 family member A1; minus strand). Cytogenetic location: 10q24.1.
Variant type: single nucleotide variant.
Coding change: c.2111-282A>C on transcript NM_002860.4 (MANE Select); 282 bases into the intron before coding-DNA position 2111, A replaced by C.
Molecular consequence: intron variant.
Genome position (GRCh38, 1-based): chr10:95,610,574, T>G on the plus strand (A>C on the coding strand, the complement: ALDH18A1 is on the minus strand). VCF-style: chr10-95610574-T-G. GRCh37 (hg19) VCF-style: chr10-97370331-T-G.
Other names: c.1475-282A>C (NM_001323419.2); c.1778-282A>C (NM_001323412.2, NM_001323416.2); c.2006-282A>C (NM_001323417.2); c.2105-282A>C (NM_001017423.2, NM_001323415.2); c.1772-282A>C (NM_001323418.2); c.2111-282A>C (NM_001323413.2, NM_001323414.2).
Identifiers: ClinVar variation 683044 (VCV000683044.1), dbSNP rs497331, ClinGen allele CA211787494.

ClinVar aggregate classification (germline): Benign (1 of 4 stars; one submission).

Allele frequency attached by ClinVar (database versions not stated): 1000 Genomes Project 0.84744; 1000 Genomes Project 30x 0.85228; TOPMed 0.91979; gnomAD 0.92124 and 0.92535.
gnomAD v4.1: 140,372 of 152,244 alleles (92%); highest among the groups gnomAD compares: Non-Finnish European, 99%; 65,220 homozygotes.

Submission:

GeneDx
Classification: Benign. Last evaluated: 2018-06-18. Review status: criteria provided, single submitter. Criteria: GeneDx Variant Classification (06012015). Collection method: clinical testing. Allele origin: germline. Affected: yes.
Comment: This variant is considered likely benign or benign based on one or more of the following criteria: it is a conservative change, it occurs at a poorly conserved position in the protein, it is predicted to be benign by multiple in silico algorithms, and/or has population frequency not consistent with disease.